The following is an entry in ClinVar:

NM_001069.3(TUBB2A):c.653C>T (p.Thr218Ile)

Gene: TUBB2A (tubulin beta 2A class IIa; minus strand). Cytogenetic location: 6p25.2.
Variant type: single nucleotide variant.
Coding change: c.653C>T on transcript NM_001069.3 (MANE Select); coding-DNA position 653, C replaced by T.
Protein change: p.Thr218Ile; replaces threonine 218 with isoleucine.
Molecular consequence: missense variant.
Genome position (GRCh38, 1-based): chr6:3,154,548, G>A on the plus strand (C>T on the coding strand, the complement: TUBB2A is on the minus strand). VCF-style: chr6-3154548-G-A. GRCh37 (hg19) VCF-style: chr6-3154782-G-A.
Other names: c.398C>T, p.Thr133Ile (NM_001310315.2); short protein forms T133I, T218I.
Identifiers: ClinVar variation 1712534 (VCV001712534.2), dbSNP rs2533524693, ClinGen allele CA362592253.
Genomic context (GRCh38, chr6:3,154,548, plus strand): 5'-GTGGTGACCCCGCTCATGGTGGCCGACACCAGGTGGTTGAGGTCCCCGTAGGTGGGGGTG[G>A]TCAGCTTCAGGGTGCGGAAGCAGATGTCATACAGGGCCTCGTTATCAATGGAGTAGGTTT-3'
Protein context (NP_001060.1, residues 208-228): YDICFRTLKL[Thr218Ile]TPTYGDLNHL

ClinVar aggregate classification (germline): Uncertain significance (1 of 4 stars; one submission).

Allele frequency attached by ClinVar (database versions not stated): gnomAD exomes below 0.00001.
gnomAD v4.1: 2 of 1,613,352 alleles (0.00012%); highest among the groups gnomAD compares: Non-Finnish European, 0.00017%; no homozygotes.

Submission:

GeneDx
Classification: Uncertain significance. Last evaluated: 2022-04-26. Review status: criteria provided, single submitter. Criteria: GeneDx Variant Classification Process June 2021. Collection method: clinical testing. Allele origin: germline. Affected: yes.
Comment: Not observed at significant frequency in large population cohorts (gnomAD); In silico analysis supports that this missense variant has a deleterious effect on protein structure/function; Has not been previously published as pathogenic or benign to our knowledge